The following is an entry in ClinVar:

ClinVar aggregate classification (germline): Uncertain significance (1 of 4 stars; one submission).

Conditions:
Arrhythmogenic right ventricular dysplasia 13. Also called: ARRHYTHMOGENIC RIGHT VENTRICULAR CARDIOMYOPATHY 13; Arrhythmogenic right ventricular dysplasia, familial, 13. Identifiers: MedGen C3810138, MONDO:0000908, OMIM 615616.

gnomAD v4.1: 8 of 1,604,540 alleles (0.0005%); highest among the groups gnomAD compares: South Asian, 0.0067%; no homozygotes.

Submission:

Labcorp Genetics (formerly Invitae), Labcorp
Classification: Uncertain significance for Arrhythmogenic right ventricular dysplasia 13. Last evaluated: 2024-12-15. Review status: criteria provided, single submitter. Criteria: Invitae Variant Classification Sherloc (09022015). Collection method: clinical testing. Allele origin: germline.
Comment: This sequence change affects codon 801 of the CTNNA3 mRNA. It is a 'silent' change, meaning that it does not change the encoded amino acid sequence of the CTNNA3 protein. It affects a nucleotide within the consensus splice site. This variant is present in population databases (rs760910940, gnomAD 0.007%). This variant has not been reported in the literature in individuals affected with CTNNA3-related conditions. Algorithms developed to predict the effect of sequence changes on RNA splicing suggest that this variant is not likely to affect RNA splicing. In summary, the available evidence is currently insufficient to determine the role of this variant in disease. Therefore, it has been classified as a Variant of Uncertain Significance.

NM_013266.4(CTNNA3):c.2401T>C (p.Leu801=)

Gene: CTNNA3 (catenin alpha 3; minus strand). Cytogenetic location: 10q21.3.
Variant type: single nucleotide variant.
Coding change: c.2401T>C on transcript NM_013266.4 (MANE Select); coding-DNA position 2401, T replaced by C.
Protein change: p.Leu801=; no amino-acid change (leucine 801 retained).
Molecular consequence: synonymous variant.
Genome position (GRCh38, 1-based): chr10:65,920,617, A>G on the plus strand (T>C on the coding strand, the complement: CTNNA3 is on the minus strand). VCF-style: chr10-65920617-A-G. GRCh37 (hg19) VCF-style: chr10-67680375-A-G.
Other names: c.2401T>C, p.Leu801= (NM_001127384.3).
Identifiers: ClinVar variation 3702118 (VCV003702118.2).
Genomic context (GRCh38, chr10:65,920,617, plus strand): 5'-TTTGCACTACAGCATTCATTAAATTTTTGGCTGCTTGGATCAGGGATGTGACACTGTCCA[A>G]CTGTAGGGAAAAAAGAGAAAAAAGAGCTATTATTCCAGGAGGTTTTGTTAATTATTGCCA-3'
Protein context (NP_037398.2, residues 791-811): NLGGELIMSA[Leu801=]DSVTSLIQAA